The following is an entry in ClinVar:

ClinVar aggregate classification (germline): Uncertain significance (1 of 4 stars; one submission).

Conditions:
Myopathy, proximal, and ophthalmoplegia (CMYO6). Also called: CONGENITAL MYOPATHY 6 WITH OPHTHALMOPLEGIA; MYOPATHY WITH CONGENITAL JOINT CONTRACTURES, OPHTHALMOPLEGIA, AND RIMMED VACUOLES; INCLUSION BODY MYOPATHY 3, AUTOSOMAL DOMINANT. Identifiers: Orphanet 363677, Orphanet 79091, MedGen C1854106, MONDO:0011577, OMIM 605637.

Allele frequency attached by ClinVar (database versions not stated): gnomAD exomes 0.00001; TOPMed 0.00001; gnomAD 0.00003.
gnomAD v4.1: 17 of 1,613,984 alleles (0.0011%); highest among the groups gnomAD compares: Admixed American, 0.0067%; 1 homozygote.

Submission:

Labcorp Genetics (formerly Invitae), Labcorp
Classification: Uncertain significance for Myopathy, proximal, and ophthalmoplegia. Last evaluated: 2025-12-16. Review status: criteria provided, single submitter. Criteria: Invitae Variant Classification Sherloc (09022015). Collection method: clinical testing. Allele origin: germline.
Comment: This sequence change replaces glycine, which is neutral and non-polar, with arginine, which is basic and polar, at codon 1525 of the MYH2 protein (p.Gly1525Arg). This variant is present in population databases (no rsID available, gnomAD 0.006%), including at least one homozygous and/or hemizygous individual. This variant has not been reported in the literature in individuals affected with MYH2-related conditions. ClinVar contains an entry for this variant (Variation ID: 1492494). Invitae Evidence Modeling of protein sequence and biophysical properties (such as structural, functional, and spatial information, amino acid conservation, physicochemical variation, residue mobility, and thermodynamic stability) indicates that this missense variant is not expected to disrupt MYH2 protein function with a negative predictive value of 80%. In summary, the available evidence is currently insufficient to determine the role of this variant in disease. Therefore, it has been classified as a Variant of Uncertain Significance.

NM_017534.6(MYH2):c.4573G>A (p.Gly1525Arg)

Genes: MYH2 (myosin heavy chain 2; minus strand), MYHAS (myosin heavy chain gene cluster antisense RNA; plus strand), LOC126862500 (BRD4-independent group 4 enhancer GRCh37_chr17:10427829-10429028; plus strand). Cytogenetic location: 17p13.1.
Variant type: single nucleotide variant.
Coding change: c.4573G>A on transcript NM_017534.6 (MANE Select); coding-DNA position 4573, G replaced by A.
Protein change: p.Gly1525Arg; replaces glycine 1525 with arginine.
Molecular consequence: missense variant.
Genome position (GRCh38, 1-based): chr17:10,525,313, C>T on the plus strand (G>A on the coding strand, the complement: MYH2 is on the minus strand). VCF-style: chr17-10525313-C-T. GRCh37 (hg19) VCF-style: chr17-10428630-C-T.
Other names: c.4573G>A, p.Gly1525Arg (NM_001100112.2); short protein forms G1525R.
Identifiers: ClinVar variation 1492494 (VCV001492494.6), dbSNP rs910402127, ClinGen allele CA287736928.